The following is an entry in ClinVar:

NM_001242882.2(NAXD):c.127A>G (p.Ile43Val)

Gene: NAXD (NAD(P)HX dehydratase; plus strand). Cytogenetic location: 13q34.
Variant type: single nucleotide variant.
Coding change: c.127A>G on transcript NM_001242882.2 (MANE Select); coding-DNA position 127, A replaced by G.
Protein change: p.Ile43Val; replaces isoleucine 43 with valine.
Molecular consequence: missense variant. On other transcripts: non-coding transcript variant (2), intron variant (1).
Genome position (GRCh38, 1-based): chr13:110,622,296, A>G. VCF-style: chr13-110622296-A-G. GRCh37 (hg19) VCF-style: chr13-111274643-A-G.
Other names: c.181A>G, p.Ile61Val (NM_001242881.2, NM_018210.4); c.57-5143A>G (NM_001242883.2); short protein forms I43V, I61V.
Identifiers: ClinVar variation 4280992 (VCV004280992.7).

ClinVar aggregate classification (germline): Uncertain significance (1 of 4 stars; one submission).

gnomAD v4.1: 150 of 1,614,100 alleles (0.0093%); highest among the groups gnomAD compares: Non-Finnish European, 0.012%; no homozygotes.

Submission:

CeGaT Center for Human Genetics Tuebingen
Classification: Uncertain significance. Last evaluated: 2025-09-01. Review status: criteria provided, single submitter. Criteria: CeGaT Center For Human Genetics Tuebingen Variant Classification Criteria Version 2. Collection method: clinical testing. Allele origin: germline. Affected: yes. Observed: 1 variant allele.
Comment: NAXD: PM2, BP4